The following is an entry in ClinVar:

NM_000321.3(RB1):c.428A>C (p.Lys143Thr)

Gene: RB1 (RB transcriptional corepressor 1; plus strand). Cytogenetic location: 13q14.2.
Variant type: single nucleotide variant.
Coding change: c.428A>C on transcript NM_000321.3 (MANE Select); coding-DNA position 428, A replaced by C.
Protein change: p.Lys143Thr; replaces lysine 143 with threonine.
Molecular consequence: missense variant.
Genome position (GRCh38, 1-based): chr13:48,345,127, A>C. VCF-style: chr13-48345127-A-C. GRCh37 (hg19) VCF-style: chr13-48919263-A-C.
Other names: short protein forms K143T.
Identifiers: ClinVar variation 840074 (VCV000840074.8), dbSNP rs1952480749, ClinGen allele CA388252698.

ClinVar aggregate classification (germline): Uncertain significance. Review status: criteria provided, multiple submitters, no conflicts (2 of 4 stars). 2 submissions from 2 submitters: Uncertain significance (2). Last evaluated 2025-01-08.

Conditions:
Hereditary cancer-predisposing syndrome. Also called: Neoplastic Syndromes, Hereditary; Tumor predisposition; Hereditary neoplastic syndrome; Hereditary Cancer Syndrome. Identifiers: Orphanet 140162, MedGen C0027672, MeSH D009386, MONDO:0015356.
Retinoblastoma (RB1). Also called: RETINOBLASTOMA, SOMATIC. Identifiers: Orphanet 790, MedGen C0035335, MeSH D012175, MONDO:0008380, OMIM 180200, HP:0009919. Disease mechanism: loss of function. Inheritance: Both sporadic and heritable forms are tested..

gnomAD v4.1: 1 of 1,613,014 alleles (0.000062%); no homozygotes.

Submissions (2):

Ambry Genetics
Classification: Uncertain significance for Hereditary cancer-predisposing syndrome. Last evaluated: 2025-01-08. Review status: criteria provided, single submitter. Criteria: Ambry Variant Classification Scheme 2023. Collection method: clinical testing. Allele origin: germline.
Comment: The p.K143T variant (also known as c.428A>C), located in coding exon 4 of the RB1 gene, results from an A to C substitution at nucleotide position 428. The lysine at codon 143 is replaced by threonine, an amino acid with similar properties. This amino acid position is conserved. In addition, the in silico prediction for this alteration is inconclusive. Based on the available evidence, the clinical significance of this variant remains unclear.

Labcorp Genetics (formerly Invitae), Labcorp
Classification: Uncertain significance for Retinoblastoma. Last evaluated: 2021-10-09. Review status: criteria provided, single submitter. Criteria: Invitae Variant Classification Sherloc (09022015). Collection method: clinical testing. Allele origin: germline.
Comment: This variant has not been reported in the literature in individuals affected with RB1-related conditions. In summary, the available evidence is currently insufficient to determine the role of this variant in disease. Therefore, it has been classified as a Variant of Uncertain Significance. Algorithms developed to predict the effect of missense changes on protein structure and function (SIFT, PolyPhen-2, Align-GVGD) all suggest that this variant is likely to be disruptive. This variant is not present in population databases (ExAC no frequency). This sequence change replaces lysine with threonine at codon 143 of the RB1 protein (p.Lys143Thr). The lysine residue is highly conserved and there is a moderate physicochemical difference between lysine and threonine.